The following is an entry in ClinVar:

NM_000059.4(BRCA2):c.3141dup (p.Val1048fs)

Gene: BRCA2 (BRCA2 DNA repair associated; plus strand). Cytogenetic location: 13q13.1.
Variant type: Duplication.
Coding change: c.3141dup on transcript NM_000059.4 (MANE Select); coding-DNA position 3141, one base duplicated (T; older notation c.3141dupT).
Protein change: p.Val1048fs; shifts the reading frame from valine 1048.
Molecular consequence: frameshift variant. On other transcripts: non-coding transcript variant (1), intron variant (2).
Genome position (GRCh38, 1-based): chr13:32,337,496, T duplicated; the last of 2 consecutive T bases (chr13:32,337,495-32,337,496); duplicating either gives the same sequence. VCF-style (leftmost placement, unchanged base first): chr13-32337494-A-AT. GRCh37 (hg19) VCF-style: chr13-32911631-A-AT.
Other names: c.3141dup, p.Val1048fs (NM_001406719.1, NM_001406720.1); c.1909+4109dup (NM_001406721.1); c.424+6466dup (NM_001406722.1); c.3141dupT (NM_000059.3); short protein forms V1048fs.
Identifiers: ClinVar variation 2565976 (VCV002565976.2), dbSNP rs2548525314, ClinGen allele CA2580614689.

ClinVar aggregate classification (germline): Pathogenic (1 of 4 stars; one submission).

Conditions:
Hereditary cancer-predisposing syndrome. Also called: Neoplastic Syndromes, Hereditary; Hereditary Cancer Syndrome; Hereditary neoplastic syndrome; Tumor predisposition. Identifiers: Orphanet 140162, MedGen C0027672, MeSH D009386, MONDO:0015356.

Submission:

Ambry Genetics
Classification: Pathogenic for Hereditary cancer-predisposing syndrome. Last evaluated: 2023-04-10. Review status: criteria provided, single submitter. Criteria: Ambry Variant Classification Scheme 2023. Collection method: clinical testing. Allele origin: germline.
Comment: The c.3141dupT pathogenic mutation, located in coding exon 10 of the BRCA2 gene, results from a duplication of T at nucleotide position 3141, causing a translational frameshift with a predicted alternate stop codon (p.V1048Cfs*8). This variant is considered to be rare based on population cohorts in the Genome Aggregation Database (gnomAD). This alteration is expected to result in loss of function by premature protein truncation or nonsense-mediated mRNA decay. As such, this alteration is interpreted as a disease-causing mutation.